The following is an entry in ClinVar:

ClinVar aggregate classification (germline): Benign/Likely benign. Review status: criteria provided, multiple submitters, no conflicts (2 of 4 stars). 3 submissions from 3 submitters: Benign (1); Likely benign (2). Last evaluated 2025-11-09.

Allele frequency attached by ClinVar (database versions not stated): ESP Exome Variant Server 0.00015; gnomAD 0.00015; TOPMed 0.00020; ExAC 0.00033.
gnomAD v4.1: 233 of 1,577,968 alleles (0.015%); highest among the groups gnomAD compares: East Asian, 0.11%; no homozygotes.

Submissions (3):

Labcorp Genetics (formerly Invitae), Labcorp
Classification: Benign. Last evaluated: 2025-11-09. Review status: criteria provided, single submitter. Criteria: Invitae Variant Classification Sherloc (09022015). Collection method: clinical testing. Allele origin: germline.

Blueprint Genetics
Classification: Likely benign. Last evaluated: 2024-10-17. Review status: criteria provided, single submitter. Criteria: ACMG Guidelines, 2015. Collection method: clinical testing. Allele origin: germline.

CeGaT Center for Human Genetics Tuebingen
Classification: Likely benign. Last evaluated: 2023-04-01. Review status: criteria provided, single submitter. Criteria: CeGaT Center For Human Genetics Tuebingen Variant Classification Criteria Version 2. Collection method: clinical testing. Allele origin: germline. Affected: yes. Observed: 1 variant allele.
Comment: TRRAP: BP4, BP7

NM_001375524.1(TRRAP):c.4809C>T (p.Asp1603=)

Gene: TRRAP (transformation/transcription domain associated protein; plus strand). Cytogenetic location: 7q22.1.
Variant type: single nucleotide variant.
Coding change: c.4809C>T on transcript NM_001375524.1 (MANE Select); coding-DNA position 4809, C replaced by T.
Protein change: p.Asp1603=; no amino-acid change (aspartic acid 1603 retained).
Molecular consequence: synonymous variant.
Genome position (GRCh38, 1-based): chr7:98,949,437, C>T. VCF-style: chr7-98949437-C-T. GRCh37 (hg19) VCF-style: chr7-98547060-C-T.
Other names: c.4734C>T, p.Asp1578= (NM_003496.4); c.4788C>T, p.Asp1596= (NM_001244580.2).
Identifiers: ClinVar variation 2657703 (VCV002657703.28), dbSNP rs3735364, ClinGen allele CA4360393.
Genomic context (GRCh38, chr7:98,949,437, plus strand): 5'-GATTAGCTTAAAACGGCTTTTCTATTTGTTTTGCTTTCAGAGTTTTTTAAAACACAAAGA[C>T]GCCAGACCTCTGCGGGATGTGCTGGCTGCCAACCCCAACAGGTTCATCACCCTGCTGCTG-3'
Protein context (NP_001362453.1, residues 1593-1613): RMFMSFLKHK[Asp1603=]ARPLRDVLAA